The following is an entry in ClinVar:

ClinVar aggregate classification (germline): Conflicting classifications of pathogenicity. Review status: criteria provided, conflicting classifications (1 of 4 stars). 5 submissions from 5 submitters: Uncertain significance (3); Likely benign (1). 1 of the submissions does not count toward it. Last evaluated 2024-11-12.

Conditions:
EML1-related disorder. Also called: EML1-related condition.
Inborn genetic diseases. Identifiers: MedGen C0950123, MeSH D030342.

Allele frequency attached by ClinVar (database versions not stated): 1000 Genomes Project 30x 0.00016; TOPMed 0.00017; ExAC 0.00019; gnomAD 0.00019 and 0.00020; gnomAD exomes 0.00019 and 0.00021; 1000 Genomes Project 0.00020; ESP Exome Variant Server 0.00031.
gnomAD v4.1: 316 of 1,614,172 alleles (0.02%); highest among the groups gnomAD compares: Middle Eastern, 0.099%; 1 homozygote.

Submissions (5):

Blueprint Genetics
Classification: Likely benign. Last evaluated: 2024-11-12. Review status: criteria provided, single submitter. Criteria: ACMG Guidelines, 2015. Collection method: clinical testing. Allele origin: germline.

Labcorp Genetics (formerly Invitae), Labcorp
Classification: Uncertain significance. Last evaluated: 2024-01-02. Review status: criteria provided, single submitter. Criteria: Invitae Variant Classification Sherloc (09022015). Collection method: clinical testing. Allele origin: germline.
Comment: This sequence change replaces lysine, which is basic and polar, with arginine, which is basic and polar, at codon 119 of the EML1 protein (p.Lys119Arg). This variant is present in population databases (rs199650308, gnomAD 0.2%). This variant has not been reported in the literature in individuals affected with EML1-related conditions. ClinVar contains an entry for this variant (Variation ID: 1304205). Algorithms developed to predict the effect of missense changes on protein structure and function output the following: SIFT: "Not Available"; PolyPhen-2: "Benign"; Align-GVGD: "Not Available". The arginine amino acid residue is found in multiple mammalian species, which suggests that this missense change does not adversely affect protein function. In summary, the available evidence is currently insufficient to determine the role of this variant in disease. Therefore, it has been classified as a Variant of Uncertain Significance.

Ambry Genetics
Classification: Uncertain significance for Inborn genetic diseases. Last evaluated: 2021-10-05. Review status: criteria provided, single submitter. Criteria: Ambry Variant Classification Scheme 2023. Collection method: clinical testing. Allele origin: germline.

GeneDx
Classification: Uncertain significance. Last evaluated: 2020-12-22. Review status: criteria provided, single submitter. Criteria: GeneDx Variant Classification Process June 2021. Collection method: clinical testing. Allele origin: germline. Affected: yes.
Comment: In silico analysis supports that this missense variant has a deleterious effect on protein structure/function; Has not been previously published as pathogenic or benign to our knowledge

PreventionGenetics, part of Exact Sciences
Classification: Likely benign for EML1-related condition. Last evaluated: 2023-02-17. Review status: no assertion criteria provided. Collection method: clinical testing. Allele origin: germline. Not counted in ClinVar's aggregate classification.
Comment: This variant is classified as likely benign based on ACMG/AMP sequence variant interpretation guidelines (Richards et al. 2015 PMID: 25741868, with internal and published modifications).

NM_004434.3(EML1):c.356A>G (p.Lys119Arg)

Gene: EML1 (EMAP like 1; plus strand). Cytogenetic location: 14q32.2.
Variant type: single nucleotide variant.
Coding change: c.356A>G on transcript NM_004434.3 (MANE Select); coding-DNA position 356, A replaced by G.
Protein change: p.Lys119Arg; replaces lysine 119 with arginine.
Molecular consequence: missense variant.
Genome position (GRCh38, 1-based): chr14:99,865,619, A>G. VCF-style: chr14-99865619-A-G. GRCh37 (hg19) VCF-style: chr14-100331956-A-G.
Other names: c.356A>G, p.Lys119Arg (NM_001008707.2, NM_001375412.1); c.317A>G, p.Lys106Arg (NM_001375411.1); c.356A>G (NM_001008707.1); short protein forms K106R, K119R.
Identifiers: ClinVar variation 1304205 (VCV001304205.8), dbSNP rs199650308, ClinGen allele CA7342268.
Genomic context (GRCh38, chr14:99,865,619, plus strand): 5'-ATGGCACTGTGTTACCAAAGAAACCTACTGGCTCTCTACCATCCCCCTCCGGGGTCAGGA[A>G]AGAAACTGCTGTGCCAGCAACCAAAAGGTGAGCCAGAAGCAGGGCCTTAAATGAACTCTC-3'
Protein context (NP_004425.2, residues 109-129): GSLPSPSGVR[Lys119Arg]ETAVPATKSN